The following is an entry in ClinVar:

NM_001322934.2(NFKB2):c.1242G>C (p.Arg414Ser)

Genes: NFKB2 (nuclear factor kappa B subunit 2; plus strand), LOC130004599 (ATAC-STARR-seq lymphoblastoid silent region 2756; plus strand). Cytogenetic location: 10q24.32.
Variant type: single nucleotide variant.
Coding change: c.1242G>C on transcript NM_001322934.2 (MANE Select); coding-DNA position 1242, G replaced by C.
Protein change: p.Arg414Ser; replaces arginine 414 with serine.
Molecular consequence: missense variant.
Genome position (GRCh38, 1-based): chr10:102,399,412, G>C. VCF-style: chr10-102399412-G-C. GRCh37 (hg19) VCF-style: chr10-104159169-G-C.
Other names: c.1242G>C, p.Arg414Ser (NM_001077494.3, NM_001261403.3, NM_001288724.1 and 1 more transcripts); c.1116G>C, p.Arg372Ser (NM_001322935.1); short protein forms R372S, R414S.
Identifiers: ClinVar variation 852676 (VCV000852676.10), dbSNP rs555513845, ClinGen allele CA377899093.

ClinVar aggregate classification (germline): Uncertain significance (1 of 4 stars; one submission).

Conditions:
Immunodeficiency, common variable, 10. Also called: IMMUNODEFICIENCY, COMMON VARIABLE, WITH CENTRAL ADRENAL INSUFFICIENCY; DEFICIT IN ANTERIOR PITUITARY FUNCTION AND VARIABLE IMMUNODEFICIENCY. Identifiers: MedGen C3809991, MONDO:0014260, OMIM 615577.

Submission:

Labcorp Genetics (formerly Invitae), Labcorp
Classification: Uncertain significance for Immunodeficiency, common variable, 10. Last evaluated: 2019-04-18. Review status: criteria provided, single submitter. Criteria: Invitae Variant Classification Sherloc (09022015). Collection method: clinical testing. Allele origin: germline.
Comment: The frequency data for this variant in the population databases is considered unreliable, as metrics indicate insufficient coverage at this position in the ExAC database. In summary, the available evidence is currently insufficient to determine the role of this variant in disease. Therefore, it has been classified as a Variant of Uncertain Significance. Algorithms developed to predict the effect of missense changes on protein structure and function (SIFT, PolyPhen-2, Align-GVGD) all suggest that this variant is likely to be tolerated, but these predictions have not been confirmed by published functional studies and their clinical significance is uncertain. This variant has not been reported in the literature in individuals with NFKB2-related conditions. This sequence change replaces arginine with serine at codon 414 of the NFKB2 protein (p.Arg414Ser). The arginine residue is weakly conserved and there is a moderate physicochemical difference between arginine and serine.